The following is an entry in ClinVar:

NM_000088.4(COL1A1):c.2680C>T (p.Pro894Ser)

Gene: COL1A1 (collagen type I alpha 1 chain; minus strand). Cytogenetic location: 17q21.33.
Variant type: single nucleotide variant.
Coding change: c.2680C>T on transcript NM_000088.4 (MANE Select); coding-DNA position 2680, C replaced by T.
Protein change: p.Pro894Ser; replaces proline 894 with serine.
Molecular consequence: missense variant.
Genome position (GRCh38, 1-based): chr17:50,189,526, G>A on the plus strand (C>T on the coding strand, the complement: COL1A1 is on the minus strand). VCF-style: chr17-50189526-G-A. GRCh37 (hg19) VCF-style: chr17-48266887-G-A.
Other names: short protein forms P894S.
Identifiers: ClinVar variation 3023707 (VCV003023707.3), dbSNP rs2509184611, ClinGen allele CA400206061.
Genomic context (GRCh38, chr17:50,189,526, plus strand): 5'-CAGTCTCACCACGGGGACCTTTGCCGCCTTCTTTGCCAGCAGGACCAGGAGGGCCAGGGG[G>A]TCCAGCATTTCCCTGGATGAGGATAGGAGGGGCTGTCAGACTCCAGGGGGCTCTGGTGCA-3'
Protein context (NP_000079.2, residues 884-904): GPPGPSGNAG[Pro894Ser]PGPPGPAGKE

ClinVar aggregate classification (germline): Uncertain significance (1 of 4 stars; one submission).

Conditions:
Osteogenesis imperfecta type I (OI1). Also called: Lobstein disease; OI, TYPE I; OSTEOGENESIS IMPERFECTA TARDA; OSTEOGENESIS IMPERFECTA WITH BLUE SCLERAE; Classic Non-deforming Osteogenesis Imperfecta with Blue Sclerae; Osteogenesis imperfecta type 1. Identifiers: Orphanet 216796, Orphanet 666, MedGen C0023931, MONDO:0008146, OMIM 166200. Disease mechanism: loss of function.

Allele frequency attached by ClinVar (database versions not stated): gnomAD exomes below 0.00001.
gnomAD v4.1: 1 of 1,613,946 alleles (0.000062%); highest among the groups gnomAD compares: Middle Eastern, 0.016%; no homozygotes.

Submission:

Labcorp Genetics (formerly Invitae), Labcorp
Classification: Uncertain significance for Osteogenesis imperfecta type I. Last evaluated: 2023-10-05. Review status: criteria provided, single submitter. Criteria: Invitae Variant Classification Sherloc (09022015). Collection method: clinical testing. Allele origin: germline.
Comment: This sequence change replaces proline, which is neutral and non-polar, with serine, which is neutral and polar, at codon 894 of the COL1A1 protein (p.Pro894Ser). This variant is not present in population databases (gnomAD no frequency). This variant has not been reported in the literature in individuals affected with COL1A1-related conditions. Advanced modeling of protein sequence and biophysical properties (such as structural, functional, and spatial information, amino acid conservation, physicochemical variation, residue mobility, and thermodynamic stability) has been performed at Invitae for this missense variant, however the output from this modeling did not meet the statistical confidence thresholds required to predict the impact of this variant on COL1A1 protein function. In summary, the available evidence is currently insufficient to determine the role of this variant in disease. Therefore, it has been classified as a Variant of Uncertain Significance.